The following is an entry in ClinVar:

ClinVar aggregate classification (germline): Likely benign (1 of 4 stars; one submission).

Conditions:
GNAS-related disorder. Identifiers: MedGen CN380105.

Submission:

PreventionGenetics, part of Exact Sciences
Classification: Likely benign for GNAS-related condition. Last evaluated: 2024-12-19. Review status: criteria provided, single submitter. Criteria: ACMG Guidelines, 2015. Collection method: clinical testing. Allele origin: germline.
Comment: This variant is classified as likely benign based on ACMG/AMP sequence variant interpretation guidelines (Richards et al. 2015 PMID: 25741868, with internal and published modifications).

NM_080425.4(GNAS):c.1323CGACTCCGGGGCGGCCCCTGACGCCCCAGCCGATCC[3] (p.Asp466_Ala467insSerGlyAlaAlaProAspAlaProAlaAspProAsp)

Gene: GNAS (GNAS complex locus; plus strand). Cytogenetic location: 20q13.32.
Variant type: Microsatellite.
Coding change: c.1323CGACTCCGGGGCGGCCCCTGACGCCCCAGCCGATCC[3] on transcript NM_080425.4 (MANE Plus Clinical); three copies in a row of the 36-base unit CGACTCCGGGGCGGCCCCTGACGCCCCAGCCGATCC starting at c.1323; the reference has two copies in a row; one copy, 36 bases duplicated.
Protein change: p.Asp466_Ala467insSerGlyAlaAlaProAspAlaProAlaAspProAsp.
Molecular consequence: inframe insertion. On other transcripts: intron variant (3).
Genome position (GRCh38, 1-based): chr20:58,854,624-58,854,659, 36 bases duplicated; duplicating any 36 consecutive bases within chr20:58,854,573-58,854,659 gives the same sequence; the position shown is the placement nearest the transcript's 3' end. GRCh37 (hg19), VCF-style position (the base before the change): chr20:57,429,627.
Other names: c.1136CGACTCCGGGGCGGCCCCTGACGCCCCAGCCGATCC[3], p.Ile402_Gln403insProThrProGlyArgProLeuThrProGlnProIle (NM_001077490.3, NM_001309883.1); c.1323CGACTCCGGGGCGGCCCCTGACGCCCCAGCCGATCC[3], p.Asp466_Ala467insSerGlyAlaAlaProAspAlaProAlaAspProAsp (NM_001410913.1); c.*42+13687CGCCCCAGCCGATCCCGACTCCGGGGCGGCCCCTGA[3] (NM_016592.5); c.43+13687CGCCCCAGCCGATCCCGACTCCGGGGCGGCCCCTGA[3] (NM_001410912.1); c.-39+12698CGCCCCAGCCGATCCCGACTCCGGGGCGGCCCCTGA[3] (NM_001309861.2).
Identifiers: ClinVar variation 2633859 (VCV002633859.4), dbSNP rs771647935, ClinGen allele CA1018895423.